The following is an entry in ClinVar:

ClinVar aggregate classification (germline): Pathogenic (1 of 4 stars; one submission).

Conditions:
Amelocerebrohypohidrotic syndrome (KTZS). Also called: EPILEPSY AND YELLOW TEETH; EPILEPSY, DEMENTIA, AND AMELOGENESIS IMPERFECTA; KOHLSCHUTTER SYNDROME; Kohlschutter's syndrome. Identifiers: Orphanet 1946, MedGen C0406740, MONDO:0009185, OMIM 226750.

Allele frequency attached by ClinVar (database versions not stated): gnomAD exomes 0.00001; ExAC 0.00002.
gnomAD v4.1: 8 of 1,608,052 alleles (0.0005%); highest among the groups gnomAD compares: South Asian, 0.0011%; no homozygotes.

Submission:

Labcorp Genetics (formerly Invitae), Labcorp
Classification: Pathogenic for Amelocerebrohypohidrotic syndrome. Last evaluated: 2025-09-24. Review status: criteria provided, single submitter. Criteria: Invitae Variant Classification Sherloc (09022015). Collection method: clinical testing. Allele origin: germline.
Comment: This sequence change creates a premature translational stop signal (p.Gln70*) in the ROGDI gene. It is expected to result in an absent or disrupted protein product. Loss-of-function variants in ROGDI are known to be pathogenic (PMID: 22424600, 23086778). This variant is present in population databases (rs754518299, gnomAD 0.002%). This variant has not been reported in the literature in individuals affected with ROGDI-related conditions. ClinVar contains an entry for this variant (Variation ID: 1965952). Algorithms developed to predict the effect of sequence changes on RNA splicing suggest that this variant may disrupt the consensus splice site. For these reasons, this variant has been classified as Pathogenic.

Literature cited by the submitters: PubMed 22424600; PubMed 23086778.

NM_024589.3(ROGDI):c.208C>T (p.Gln70Ter)

Gene: ROGDI (rogdi atypical leucine zipper; minus strand). Cytogenetic location: 16p13.3.
Variant type: single nucleotide variant.
Coding change: c.208C>T on transcript NM_024589.3 (MANE Select); coding-DNA position 208, C replaced by T.
Protein change: p.Gln70Ter; replaces glutamine 70 with a stop codon.
Molecular consequence: nonsense.
Genome position (GRCh38, 1-based): chr16:4,801,314, G>A on the plus strand (C>T on the coding strand, the complement: ROGDI is on the minus strand). VCF-style: chr16-4801314-G-A. GRCh37 (hg19) VCF-style: chr16-4851315-G-A.
Other names: short protein forms Q70*.
Identifiers: ClinVar variation 1965952 (VCV001965952.5), dbSNP rs754518299, ClinGen allele CA7882896.
Genomic context (GRCh38, chr16:4,801,314, plus strand): 5'-CCGGGGGACTCACCGCCTGGCTGAGGGCATCCCCCTGCAGAGTCAGCACACCCTTCACCT[G>A]GTCTGTGCTGTAACATGTGGCGTCAGAGCGGTGCCTGTGGTCACCCCCCCACCACCCAGC-3'